The following is an entry in ClinVar:

ClinVar aggregate classification (germline): Uncertain significance (1 of 4 stars; one submission).

Submission:

GeneDx
Classification: Uncertain significance. Last evaluated: 2024-02-06. Review status: criteria provided, single submitter. Criteria: GeneDx Variant Classification Process June 2021. Collection method: clinical testing. Allele origin: germline. Affected: yes.
Comment: Not observed at significant frequency in large population cohorts (gnomAD); In silico analysis supports that this missense variant does not alter protein structure/function; Has not been previously published as pathogenic or benign to our knowledge

NM_153252.5(BRWD3):c.3873C>G (p.Cys1291Trp)

Gene: BRWD3 (bromodomain and WD repeat domain containing 3; minus strand). Cytogenetic location: Xq21.1.
Variant type: single nucleotide variant.
Coding change: c.3873C>G on transcript NM_153252.5 (MANE Select); coding-DNA position 3873, C replaced by G.
Protein change: p.Cys1291Trp; replaces cysteine 1291 with tryptophan.
Molecular consequence: missense variant.
Genome position (GRCh38, 1-based): chrX:80,686,995, G>C on the plus strand (C>G on the coding strand, the complement: BRWD3 is on the minus strand). VCF-style: chrX-80686995-G-C. GRCh37 (hg19) VCF-style: chrX-79942494-G-C.
Other names: short protein forms C1291W.
Identifiers: ClinVar variation 1315053 (VCV001315053.4), dbSNP rs2147684262, ClinGen allele CA413613531.